The following is an entry in ClinVar:

NM_006663.4(PPP1R13L):c.2158T>G (p.Phe720Val)

Gene: PPP1R13L (protein phosphatase 1 regulatory subunit 13 like; minus strand). Cytogenetic location: 19q13.32.
Variant type: single nucleotide variant.
Coding change: c.2158T>G on transcript NM_006663.4 (MANE Select); coding-DNA position 2158, T replaced by G.
Protein change: p.Phe720Val; replaces phenylalanine 720 with valine.
Molecular consequence: missense variant.
Genome position (GRCh38, 1-based): chr19:45,385,652, A>C on the plus strand (T>G on the coding strand, the complement: PPP1R13L is on the minus strand). VCF-style: chr19-45385652-A-C. GRCh37 (hg19) VCF-style: chr19-45888910-A-C.
Other names: c.2158T>G, p.Phe720Val (NM_001142502.2); short protein forms F720V.
Identifiers: ClinVar variation 3370275 (VCV003370275.1).

ClinVar aggregate classification (germline): Uncertain significance (1 of 4 stars; one submission).

gnomAD v4.1: 26 of 1,613,084 alleles (0.0016%); highest among the groups gnomAD compares: Non-Finnish European, 0.0017%; no homozygotes.

Submission:

GeneDx
Classification: Uncertain significance. Last evaluated: 2023-12-30. Review status: criteria provided, single submitter. Criteria: GeneDx Variant Classification Process June 2021. Collection method: clinical testing. Allele origin: germline. Affected: yes.
Comment: Not observed at significant frequency in large population cohorts (gnomAD); In silico analysis supports that this missense variant has a deleterious effect on protein structure/function; Has not been previously published as pathogenic or benign to our knowledge